The following is an entry in ClinVar:

ClinVar aggregate classification (germline): Uncertain significance (1 of 4 stars; one submission).

Submission:

Labcorp Genetics (formerly Invitae), Labcorp
Classification: Uncertain significance. Last evaluated: 2021-10-07. Review status: criteria provided, single submitter. Criteria: Invitae Variant Classification Sherloc (09022015). Collection method: clinical testing. Allele origin: germline.
Comment: This variant is not present in population databases (ExAC no frequency). In summary, the available evidence is currently insufficient to determine the role of this variant in disease. Therefore, it has been classified as a Variant of Uncertain Significance. Algorithms developed to predict the effect of missense changes on protein structure and function are either unavailable or do not agree on the potential impact of this missense change (SIFT: "Deleterious"; PolyPhen-2: "Probably Damaging"; Align-GVGD: "Class C0"). This variant has not been reported in the literature in individuals affected with DNAH9-related conditions. This sequence change replaces glycine with glutamic acid at codon 1838 of the DNAH9 protein (p.Gly1838Glu). The glycine residue is moderately conserved and there is a moderate physicochemical difference between glycine and glutamic acid.

NM_001372.4(DNAH9):c.5513G>A (p.Gly1838Glu)

Gene: DNAH9 (dynein axonemal heavy chain 9; plus strand). Cytogenetic location: 17p12.
Variant type: single nucleotide variant.
Coding change: c.5513G>A on transcript NM_001372.4 (MANE Select); coding-DNA position 5513, G replaced by A.
Protein change: p.Gly1838Glu; replaces glycine 1838 with glutamic acid.
Molecular consequence: missense variant.
Genome position (GRCh38, 1-based): chr17:11,705,146, G>A. VCF-style: chr17-11705146-G-A. GRCh37 (hg19) VCF-style: chr17-11608463-G-A.
Other names: short protein forms G1838E.
Identifiers: ClinVar variation 1474737 (VCV001474737.6), dbSNP rs2150778503, ClinGen allele CA398185522.